The following is an entry in ClinVar:

NM_001105206.3(LAMA4):c.195+120C>G

Genes: LAMA4 (laminin subunit alpha 4; minus strand), LAMA4-AS1 (LAMA4 antisense RNA 1; plus strand). Cytogenetic location: 6q21.
Variant type: single nucleotide variant.
Coding change: c.195+120C>G on transcript NM_001105206.3 (MANE Select); 120 bases into the intron after coding-DNA position 195, C replaced by G.
Molecular consequence: intron variant. On other transcripts: synonymous variant (2).
Genome position (GRCh38, 1-based): chr6:112,253,836, G>C on the plus strand (C>G on the coding strand, the complement: LAMA4 is on the minus strand). VCF-style: chr6-112253836-G-C. GRCh37 (hg19) VCF-style: chr6-112575038-G-C.
Other names: c.315C>G, p.Thr105= (NM_001105208.3, NM_001105209.3); c.195+120C>G (NM_002290.5, NM_001105207.3).
Identifiers: ClinVar variation 3048899 (VCV003048899.2), dbSNP rs2482131782, ClinGen allele CA2740091470.

ClinVar aggregate classification (germline): Likely benign (0 of 4 stars; one submission).

Conditions:
LAMA4-related disorder. Also called: LAMA4-related condition.

Submission:

PreventionGenetics, part of Exact Sciences
Classification: Likely benign for LAMA4-related condition. Last evaluated: 2020-03-30. Review status: no assertion criteria provided. Collection method: clinical testing. Allele origin: germline.
Comment: This variant is classified as likely benign based on ACMG/AMP sequence variant interpretation guidelines (Richards et al. 2015 PMID: 25741868, with internal and published modifications).